The following is an entry in ClinVar:

ClinVar aggregate classification (germline): Uncertain significance. Review status: criteria provided, multiple submitters, no conflicts (2 of 4 stars). 3 submissions from 3 submitters: Uncertain significance (3). Last evaluated 2024-12-31.

Conditions:
Familial hypercholesterolemia. Also called: Familial hypercholesterolemias; Familial hypercholesterolaemia. Identifiers: MedGen C0020445, MONDO:0005439.
Cardiovascular phenotype. Identifiers: MedGen CN230736.
Hypercholesterolemia, autosomal dominant, 3 (FHCL3). Also called: Familial Hypercholesterolemia, Autosomal Dominant, 3; PCSK9-Related Familial Hypercholesterolemia, Autosomal Dominant; Familial hypercholesterolemia 3. Identifiers: MedGen C1863551, MONDO:0011369, OMIM 603776.

Allele frequency attached by ClinVar (database versions not stated): gnomAD exomes below 0.00001.

Submissions (3):

Ambry Genetics
Classification: Uncertain significance for Cardiovascular phenotype. Last evaluated: 2024-12-31. Review status: criteria provided, single submitter. Criteria: Ambry Variant Classification Scheme 2023. Collection method: clinical testing. Allele origin: germline.
Comment: The p.H613R variant (also known as c.1838A>G), located in coding exon 11 of the PCSK9 gene, results from an A to G substitution at nucleotide position 1838. The histidine at codon 613 is replaced by arginine, an amino acid with highly similar properties. This amino acid position is conserved. In addition, this alteration is predicted to be tolerated by in silico analysis. Since supporting evidence is limited at this time, the clinical significance of this alteration remains unclear.

All of Us Research Program, National Institutes of Health
Classification: Uncertain significance for Hypercholesterolemia, autosomal dominant, 3. Last evaluated: 2023-09-04. Review status: criteria provided, single submitter. Criteria: ACMG Guidelines, 2015. Collection method: clinical testing. Allele origin: germline. Inheritance: Autosomal dominant inheritance. Observed: 1 variant allele, 1 heterozygote.
Comment: This missense variant replaces histidine with arginine at codon 613 of the PCSK9 protein. Computational prediction suggests that this variant may not impact protein structure and function (internally defined REVEL score threshold <= 0.5, PMID: 27666373). To our knowledge, functional studies have not been reported for this variant. This variant has not been reported in individuals affected with PCSK9-related disorders in the literature. This variant has not been identified in the general population by the Genome Aggregation Database (gnomAD). The available evidence is insufficient to determine the role of this variant in disease conclusively. Therefore, this variant is classified as a Variant of Uncertain Significance.

This study involves interpretation of variants in research participants for the purpose of population health screening. Participant phenotype was not available at the time of variant classification. Additional details can be found in publication PMID: 35346344, PMCID: PMC8962531

Color Diagnostics, LLC DBA Color Health
Classification: Uncertain significance for Familial hypercholesterolemia. Last evaluated: 2023-08-23. Review status: criteria provided, single submitter. Criteria: ACMG Guidelines, 2015. Collection method: clinical testing. Allele origin: germline.
Comment: This missense variant replaces histidine with arginine at codon 613 of the PCSK9 protein. Computational prediction suggests that this variant may not impact protein structure and function. To our knowledge, functional studies have not been reported for this variant. This variant has not been reported in individuals affected with PCSK9-related disorders in the literature. This variant has not been identified in the general population by the Genome Aggregation Database (gnomAD). The available evidence is insufficient to determine the role of this variant in disease conclusively. Therefore, this variant is classified as a Variant of Uncertain Significance.

NM_174936.4(PCSK9):c.1838A>G (p.His613Arg)

Gene: PCSK9 (proprotein convertase subtilisin/kexin type 9; plus strand). Cytogenetic location: 1p32.3.
Variant type: single nucleotide variant.
Coding change: c.1838A>G on transcript NM_174936.4 (MANE Select); coding-DNA position 1838, A replaced by G.
Protein change: p.His613Arg; replaces histidine 613 with arginine.
Molecular consequence: missense variant.
Genome position (GRCh38, 1-based): chr1:55,061,531, A>G. VCF-style: chr1-55061531-A-G. GRCh37 (hg19) VCF-style: chr1-55527204-A-G.
Other names: c.1880A>G, p.His627Arg (NM_001407241.1); c.1841A>G, p.His614Arg (NM_001407242.1); c.1781A>G, p.His594Arg (NM_001407243.1); c.1664A>G, p.His555Arg (NM_001407244.1); c.1646A>G, p.His549Arg (NM_001407245.1); c.1961A>G, p.His654Arg (NM_001407240.1); c.1463A>G, p.His488Arg (NM_001407246.1); c.1337A>G, p.His446Arg (NM_001407247.1); short protein forms H488R, H627R, H613R, H654R, H594R, H614R, H446R, H549R.
Identifiers: ClinVar variation 1781077 (VCV001781077.5), dbSNP rs1229958448, ClinGen allele CA340480482.